The following is an entry in ClinVar:

NM_033380.3(COL4A5):c.884G>A (p.Gly295Asp)

Gene: COL4A5 (collagen type IV alpha 5 chain; plus strand). Cytogenetic location: Xq22.3.
Variant type: single nucleotide variant.
Coding change: c.884G>A on transcript NM_033380.3 (MANE Select); coding-DNA position 884, G replaced by A.
Protein change: p.Gly295Asp; replaces glycine 295 with aspartic acid.
Molecular consequence: missense variant.
Genome position (GRCh38, 1-based): chrX:108,580,731, G>A. VCF-style: chrX-108580731-G-A. GRCh37 (hg19) VCF-style: chrX-107823961-G-A.
Other names: c.884G>A, p.Gly295Asp (NM_000495.5); short protein forms G295D.
Identifiers: ClinVar variation 24336 (VCV000024336.12), dbSNP rs104886079, ClinGen allele CA258346.

ClinVar aggregate classification (germline): Pathogenic/Likely pathogenic. Review status: criteria provided, multiple submitters, no conflicts (2 of 4 stars). 7 submissions from 7 submitters: Pathogenic (3); Likely pathogenic (2). 2 of the submissions do not count toward it. Last evaluated 2025-09-30.

Conditions:
Alport syndrome. Also called: Hemorrhagic familial nephritis; Hemorrhagic hereditary nephritis; Congenital hereditary hematuria. Identifiers: Orphanet 63, MedGen C1567741, MONDO:0018965.
X-linked Alport syndrome (ATS1). Also called: COL4A5-Related Nephropathy; NEPHROPATHY AND DEAFNESS, X-LINKED. Identifiers: Orphanet 63, Orphanet 88917, MedGen C4746986, MONDO:0010520, OMIM 301050.

Submissions (7):

Natera, Inc.
Classification: Likely pathogenic for X-linked Alport syndrome. Last evaluated: 2025-09-30. Review status: criteria provided, single submitter. Criteria: Natera Variant Classification Schema (03/2026). Collection method: clinical testing. Allele origin: germline.
Comment: The c.884G>A variant in COL4A5 is a missense variant predicted to cause substitution of glycine to aspartic acid at amino acid 295. This variant is rare in the general population with a frequency below the threshold expected for the associated phenotype(s). This variant has been observed in affected individual(s) with monoallelic occurrence (heterozygous/hemizygous) (PMID: 37464296, 11223851, 29270492). This variant is located in a functionally critical region of the protein. Computational prediction algorithms indicate this variant is likely to affect gene or protein function. Given the available evidence, this variant is classified as Likely Pathogenic.

Labcorp Genetics (formerly Invitae), Labcorp
Classification: Pathogenic. Last evaluated: 2025-02-03. Review status: criteria provided, single submitter. Criteria: Invitae Variant Classification Sherloc (09022015). Collection method: clinical testing. Allele origin: germline.
Comment: This sequence change replaces glycine, which is neutral and non-polar, with aspartic acid, which is acidic and polar, at codon 295 of the COL4A5 protein (p.Gly295Asp). This variant is not present in population databases (gnomAD no frequency). This missense change has been observed in individuals with Alport syndrome and/or chronic kidney disease (PMID: 11223851, 19919694, 37464296). ClinVar contains an entry for this variant (Variation ID: 24336). Invitae Evidence Modeling of protein sequence and biophysical properties (such as structural, functional, and spatial information, amino acid conservation, physicochemical variation, residue mobility, and thermodynamic stability) indicates that this missense variant is expected to disrupt COL4A5 protein function with a positive predictive value of 95%. This variant disrupts the triple helix domain of COL4A5. Glycine residues within the Gly-Xaa-Yaa repeats of the triple helix domain are required for the structure and stability of fibrillar collagens (PMID: 7695699, 8218237, 19344236). In COL4A5, missense variants at these glycine residues are significantly enriched in individuals with disease (PMID: 23720012, 27627812) compared to the general population (ExAC). For these reasons, this variant has been classified as Pathogenic.

Mayo Clinic Laboratories, Mayo Clinic
Classification: Likely pathogenic. Last evaluated: 2024-02-13. Review status: criteria provided, single submitter. Criteria: ACMG Guidelines, 2015. Collection method: clinical testing. Allele origin: germline. Observed: 1 variant allele.
Comment: PP3, PM1_strong, PM2, PS4_moderate

Fulgent Genetics
Classification: Pathogenic for X-linked Alport syndrome. Last evaluated: 2024-01-10. Review status: criteria provided, single submitter. Criteria: ACMG Guidelines, 2015. Collection method: clinical testing. Allele origin: germline.

Athena Diagnostics
Classification: Pathogenic. Last evaluated: 2017-02-17. Review status: criteria provided, single submitter. Criteria: Athena Diagnostics Criteria. Collection method: clinical testing. Allele origin: germline.

Counsyl
Classification: Likely pathogenic for X-linked Alport syndrome. Last evaluated: 2017-09-20. Review status: no assertion criteria provided. Collection method: clinical testing. Allele origin: unknown. Not counted in ClinVar's aggregate classification.

Sydney Genome Diagnostics, Children's Hospital Westmead
Classification: Likely pathogenic for Alport syndrome. Last evaluated: 2017-09-15. Review status: no assertion criteria provided. Collection method: clinical testing. Allele origin: unknown. Affected: yes. Observed: 1 variant allele, 1 hemizygote. Not counted in ClinVar's aggregate classification.
Comment: This variant results in the substitution of one of the invariant glycine residues within the triple helical domain. In silico analysis of pathogenicity (through Alamut Visual v2.8.1) using PolyPhen2, SIFT and MutationTaster suggested that this variant is pathogenic. This variant is considered to be a likely pathogenic according to the ACMG guidelines.

Literature cited by the submitters: PubMed 37464296 (cited by 3 submitters); PubMed 11223851 (cited by 4 submitters); PubMed 29270492 (cited by Natera, Inc.); PubMed 19919694 (cited by Labcorp Genetics (formerly Invitae), Labcorp and Athena Diagnostics); PubMed 7695699 (cited by Labcorp Genetics (formerly Invitae), Labcorp); PubMed 8218237 (cited by Labcorp Genetics (formerly Invitae), Labcorp); PubMed 19344236 (cited by Labcorp Genetics (formerly Invitae), Labcorp); PubMed 23720012 (cited by Labcorp Genetics (formerly Invitae), Labcorp); PubMed 27627812 (cited by Labcorp Genetics (formerly Invitae), Labcorp); PubMed 20378821 (cited by Counsyl).